The following is an entry in ClinVar:

NM_018834.6(MATR3):c.1736T>A (p.Ile579Asn)

Genes: MATR3 (matrin 3; plus strand), LOC126807526 (CDK7 strongly-dependent group 2 enhancer GRCh37_chr5:138657767-138658966; plus strand). Cytogenetic location: 5q31.2.
Variant type: single nucleotide variant.
Coding change: c.1736T>A on transcript NM_018834.6 (MANE Select); coding-DNA position 1736, T replaced by A.
Protein change: p.Ile579Asn; replaces isoleucine 579 with asparagine.
Molecular consequence: missense variant.
Genome position (GRCh38, 1-based): chr5:139,322,464, T>A. VCF-style: chr5-139322464-T-A. GRCh37 (hg19) VCF-style: chr5-138658153-T-A.
Other names: c.1736T>A, p.Ile579Asn (NM_001194954.2, NM_001194955.2, NM_001400441.1 and 16 more transcripts); c.872T>A, p.Ile291Asn (NM_001194956.2); c.722T>A, p.Ile241Asn (NM_001282278.2, NM_001400460.1, NM_001400462.1 and 5 more transcripts); c.875T>A, p.Ile292Asn (NM_001400459.1); c.836T>A, p.Ile279Asn (NM_001400461.1); short protein forms I279N, I292N, I579N, I291N, I241N.
Identifiers: ClinVar variation 2751282 (VCV002751282.3), dbSNP rs2546860799, ClinGen allele CA361143259.

ClinVar aggregate classification (germline): Uncertain significance (1 of 4 stars; one submission).

Conditions:
Amyotrophic lateral sclerosis type 21. Also called: MYOPATHY, DISTAL, 2; VOCAL CORD AND PHARYNGEAL DYSFUNCTION WITH DISTAL MYOPATHY. Identifiers: Orphanet 600, Orphanet 803, MedGen C3807521, MONDO:0011632, OMIM 606070.

Submission:

Labcorp Genetics (formerly Invitae), Labcorp
Classification: Uncertain significance for Amyotrophic lateral sclerosis type 21. Last evaluated: 2023-08-08. Review status: criteria provided, single submitter. Criteria: Invitae Variant Classification Sherloc (09022015). Collection method: clinical testing. Allele origin: germline.
Comment: In summary, the available evidence is currently insufficient to determine the role of this variant in disease. Therefore, it has been classified as a Variant of Uncertain Significance. An algorithm developed to predict the effect of missense changes on protein structure and function (PolyPhen-2) suggests that this variant is likely to be disruptive. This variant has not been reported in the literature in individuals affected with MATR3-related conditions. This variant is not present in population databases (gnomAD no frequency). This sequence change replaces isoleucine, which is neutral and non-polar, with asparagine, which is neutral and polar, at codon 579 of the MATR3 protein (p.Ile579Asn).